The following is an entry in ClinVar:

ClinVar aggregate classification (germline): Likely benign. Review status: criteria provided, multiple submitters, no conflicts (2 of 4 stars). 2 submissions from 2 submitters: Likely benign (2). Last evaluated 2025-11-04.

Conditions:
Neuropathy, hereditary sensory and autonomic, type 2A (HSAN2A). Also called: MORVAN DISEASE; NEUROPATHY, CONGENITAL SENSORY; NEUROPATHY, HEREDITARY SENSORY RADICULAR, AUTOSOMAL RECESSIVE; NEUROPATHY, HEREDITARY SENSORY, TYPE IIA; NEUROPATHY, PROGRESSIVE SENSORY, OF CHILDREN; HSAN IIA. Identifiers: Orphanet 970, MedGen C2752089, MONDO:0024309, OMIM 201300.
Pseudohypoaldosteronism type 2C (PHA2C). Also called: Pseudohypoaldosteronism Type IIC. Identifiers: Orphanet 757, Orphanet 88940, MedGen C1840391, MONDO:0013778, OMIM 614492.

Allele frequency attached by ClinVar (database versions not stated): TOPMed below 0.00001; ExAC 0.00001; gnomAD exomes 0.00001; gnomAD 0.00003.
gnomAD v4.1: 20 of 1,613,490 alleles (0.0012%); highest among the groups gnomAD compares: Non-Finnish European, 0.0014%; no homozygotes.

Submissions (2):

Labcorp Genetics (formerly Invitae), Labcorp
Classification: Likely benign for Neuropathy, hereditary sensory and autonomic, type 2A; Pseudohypoaldosteronism type 2C. Last evaluated: 2025-11-04. Review status: criteria provided, single submitter. Criteria: Invitae Variant Classification Sherloc (09022015). Collection method: clinical testing. Allele origin: germline.

CeGaT Center for Human Genetics Tuebingen
Classification: Likely benign. Last evaluated: 2024-09-01. Review status: criteria provided, single submitter. Criteria: CeGaT Center For Human Genetics Tuebingen Variant Classification Criteria Version 2. Collection method: clinical testing. Allele origin: germline. Affected: yes. Observed: 1 variant allele.
Comment: WNK1: BP4, BP7

NM_018979.4(WNK1):c.690C>T (p.Gly230=)

Gene: WNK1 (WNK lysine deficient protein kinase 1; plus strand). Cytogenetic location: 12p13.33.
Variant type: single nucleotide variant.
Coding change: c.690C>T on transcript NM_018979.4 (MANE Select); coding-DNA position 690, C replaced by T.
Protein change: p.Gly230=; no amino-acid change (glycine 230 retained).
Molecular consequence: synonymous variant.
Genome position (GRCh38, 1-based): chr12:754,255, C>T. VCF-style: chr12-754255-C-T. GRCh37 (hg19) VCF-style: chr12-863421-C-T.
Other names: c.690C>T, p.Gly230= (NM_001184985.2, NM_014823.3, NM_213655.5).
Identifiers: ClinVar variation 2168693 (VCV002168693.18), dbSNP rs773215234, ClinGen allele CA6381828.
Genomic context (GRCh38, chr12:754,255, plus strand): 5'-GGCCGTGGGAATGTCTAACGATGGCCGCTTTCTCAAGTTTGACATCGAAATCGGCAGAGG[C>T]TCCTTTAAGACGGTCTACAAAGGTCTGGACACTGAAACCACCGTGGAAGTCGCCTGGTGT-3'
Protein context (NP_061852.3, residues 220-240): FLKFDIEIGR[Gly230=]SFKTVYKGLD